The following is an entry in ClinVar:

ClinVar aggregate classification (germline): Conflicting classifications of pathogenicity. Review status: criteria provided, conflicting classifications (1 of 4 stars). 2 submissions from 2 submitters: Uncertain significance (1); Likely benign (1). Last evaluated 2025-09-04.

Conditions:
Gastrointestinal stromal tumor. Also called: Gastrointestinal stroma tumor; Gastrointestinal stromal tumor, somatic. Identifiers: Orphanet 44890, MedGen C0238198, MeSH D046152, MONDO:0011719, OMIM 606764, HP:0100723.
Hereditary cancer-predisposing syndrome. Also called: Hereditary neoplastic syndrome; Tumor predisposition; Hereditary Cancer Syndrome; Neoplastic Syndromes, Hereditary. Identifiers: Orphanet 140162, MedGen C0027672, MeSH D009386, MONDO:0015356.

Allele frequency attached by ClinVar (database versions not stated): TOPMed below 0.00001; gnomAD exomes 0.00001.
gnomAD v4.1: 2 of 1,613,738 alleles (0.00012%); highest among the groups gnomAD compares: Admixed American, 0.0033%; no homozygotes.

Submissions (2):

Labcorp Genetics (formerly Invitae), Labcorp
Classification: Uncertain significance for Gastrointestinal stromal tumor. Last evaluated: 2025-09-04. Review status: criteria provided, single submitter. Criteria: Invitae Variant Classification Sherloc (09022015). Collection method: clinical testing. Allele origin: germline.
Comment: This sequence change replaces lysine, which is basic and polar, with arginine, which is basic and polar, at codon 910 of the PDGFRA protein (p.Lys910Arg). This variant is present in population databases (no rsID available, gnomAD 0.006%). This variant has not been reported in the literature in individuals affected with PDGFRA-related conditions. ClinVar contains an entry for this variant (Variation ID: 1431543). Invitae Evidence Modeling of protein sequence and biophysical properties (such as structural, functional, and spatial information, amino acid conservation, physicochemical variation, residue mobility, and thermodynamic stability) indicates that this missense variant is not expected to disrupt PDGFRA protein function with a negative predictive value of 80%. In summary, the available evidence is currently insufficient to determine the role of this variant in disease. Therefore, it has been classified as a Variant of Uncertain Significance.

Ambry Genetics
Classification: Likely benign for Hereditary cancer-predisposing syndrome. Last evaluated: 2023-09-17. Review status: criteria provided, single submitter. Criteria: Ambry Variant Classification Scheme 2023. Collection method: clinical testing. Allele origin: germline.

NM_006206.6(PDGFRA):c.2729A>G (p.Lys910Arg)

Gene: PDGFRA (platelet derived growth factor receptor alpha; plus strand). Cytogenetic location: 4q12.
Variant type: single nucleotide variant.
Coding change: c.2729A>G on transcript NM_006206.6 (MANE Select); coding-DNA position 2729, A replaced by G.
Protein change: p.Lys910Arg; replaces lysine 910 with arginine.
Molecular consequence: missense variant.
Genome position (GRCh38, 1-based): chr4:54,288,853, A>G. VCF-style: chr4-54288853-A-G. GRCh37 (hg19) VCF-style: chr4-55155020-A-G.
Other names: c.2729A>G (NM_006206.4); c.2804A>G, p.Lys935Arg (NM_001347828.2); c.2729A>G, p.Lys910Arg (NM_001347829.2); c.2768A>G, p.Lys923Arg (NM_001347830.2); short protein forms K935R, K910R, K923R.
Identifiers: ClinVar variation 1431543 (VCV001431543.7), dbSNP rs1400850021, ClinGen allele CA356895522.